The following is an entry in ClinVar:

NM_145046.5(CALR3):c.751T>C (p.Trp251Arg)

Gene: CALR3 (calreticulin 3; minus strand). Cytogenetic location: 19p13.11.
Variant type: single nucleotide variant.
Coding change: c.751T>C on transcript NM_145046.5 (MANE Select); coding-DNA position 751, T replaced by C.
Protein change: p.Trp251Arg; replaces tryptophan 251 with arginine.
Molecular consequence: missense variant.
Genome position (GRCh38, 1-based): chr19:16,482,713, A>G on the plus strand (T>C on the coding strand, the complement: CALR3 is on the minus strand). VCF-style: chr19-16482713-A-G. GRCh37 (hg19) VCF-style: chr19-16593524-A-G.
Other names: short protein forms W251R.
Identifiers: ClinVar variation 3625016 (VCV003625016.2).

ClinVar aggregate classification (germline): Uncertain significance (1 of 4 stars; one submission).

Conditions:
Hypertrophic cardiomyopathy 19. Also called: Familial hypertrophic cardiomyopathy 19. Identifiers: MedGen CN077603, MONDO:0013476.

gnomAD v4.1: 9 of 1,613,980 alleles (0.00056%); highest among the groups gnomAD compares: African/African-American, 0.0013%; no homozygotes.

Submission:

Labcorp Genetics (formerly Invitae), Labcorp
Classification: Uncertain significance for Hypertrophic cardiomyopathy 19. Last evaluated: 2025-12-31. Review status: criteria provided, single submitter. Criteria: Invitae Variant Classification Sherloc (09022015). Collection method: clinical testing. Allele origin: germline.
Comment: This sequence change replaces tryptophan, which is neutral and slightly polar, with arginine, which is basic and polar, at codon 251 of the CALR3 protein (p.Trp251Arg). This variant is present in population databases (no rsID available, gnomAD 0.0008%). This variant has not been reported in the literature in individuals affected with CALR3-related conditions. ClinVar contains an entry for this variant (Variation ID: 3625016). Invitae Evidence Modeling of protein sequence and biophysical properties (such as structural, functional, and spatial information, amino acid conservation, physicochemical variation, residue mobility, and thermodynamic stability) indicates that this missense variant is not expected to disrupt CALR3 protein function with a negative predictive value of 80%. In summary, the available evidence is currently insufficient to determine the role of this variant in disease. Therefore, it has been classified as a Variant of Uncertain Significance.